The following is an entry in ClinVar:

ClinVar aggregate classification (germline): Pathogenic (1 of 4 stars; one submission).

Conditions:
Neuronal ceroid lipofuscinosis. Also called: Neuronal Ceroid Lipofuscinoses. Identifiers: Orphanet 216, Orphanet 79263, MedGen C0027877, MONDO:0016295. Disease mechanism: loss of function.

Submission:

Myriad Genetics, Inc.
Classification: Pathogenic for Neuronal ceroid lipofuscinosis. Last evaluated: 2023-09-27. Review status: criteria provided, single submitter. Criteria: Myriad Autosomal Dominant, Autosomal Recessive and X-Linked Classification Criteria (2023). Collection method: clinical testing. Allele origin: unknown.
Comment: NM_017882.2(CLN6):c.69dupC(F24Lfs*12) is expected to be pathogenic in the context of neuronal ceroid lipofuscinosis, CLN6-related. This variant is predicted to lead to an abnormal or absent protein product due to the creation of a premature termination codon in CLN6, a gene where loss-of-function variants are known to be pathogenic. Please note: this variant was assessed in the context of healthy population screening.

NM_017882.3(CLN6):c.69dup (p.Phe24fs)

Gene: CLN6 (CLN6 transmembrane ER protein; minus strand). Cytogenetic location: 15q23.
Variant type: Duplication.
Coding change: c.69dup on transcript NM_017882.3 (MANE Select); coding-DNA position 69, one base duplicated (C; older notation c.69dupC).
Protein change: p.Phe24fs; shifts the reading frame from phenylalanine 24.
Molecular consequence: frameshift variant. On other transcripts: intron variant (1).
Genome position (GRCh38, 1-based): chr15:68,229,516, G duplicated on the plus strand (C on the coding strand, the reverse complement: CLN6 is on the minus strand); the first of 2 consecutive G bases (chr15:68,229,516-68,229,517); duplicating either gives the same sequence. VCF-style (leftmost placement, unchanged base first): chr15-68229515-A-AG. GRCh37 (hg19) VCF-style: chr15-68521853-A-AG.
Other names: c.180-10866dup (NM_001411068.1); short protein forms F24fs.
Identifiers: ClinVar variation 5011826 (VCV005011826.1).